The following is an entry in ClinVar:

NM_001127222.2(CACNA1A):c.5999del (p.Gly2000fs)

Gene: CACNA1A (calcium voltage-gated channel subunit alpha1 A; minus strand). Cytogenetic location: 19p13.13.
Variant type: Deletion.
Coding change: c.5999del on transcript NM_001127222.2 (MANE Select); coding-DNA position 5999, one base deleted (G; older notation c.5999delG).
Protein change: p.Gly2000fs; shifts the reading frame from glycine 2000.
Molecular consequence: frameshift variant.
Genome position (GRCh38, 1-based): chr19:13,212,682, C deleted on the plus strand (G on the coding strand, the reverse complement: CACNA1A is on the minus strand); the first of 5 consecutive C bases (chr19:13,212,682-13,212,686); deleting any one gives the same sequence. VCF-style (leftmost placement, unchanged base first): chr19-13212681-TC-T. GRCh37 (hg19) VCF-style: chr19-13323495-TC-T.
Other names: c.6017del, p.Gly2006fs (NM_000068.4, NM_023035.3); c.6002del, p.Gly2001fs (NM_001127221.2); c.6008del, p.Gly2003fs (NM_001174080.2); c.6002delG (NM_001127221.2); short protein forms G2000fs, G2001fs, G2003fs, G2006fs.
Identifiers: ClinVar variation 3902497 (VCV003902497.1).

ClinVar aggregate classification (germline): Pathogenic (1 of 4 stars; one submission).

Conditions:
Developmental and epileptic encephalopathy, 42 (DEE42A). Also called: DEVELOPMENTAL AND EPILEPTIC ENCEPHALOPATHY 42A; EPILEPTIC ENCEPHALOPATHY, EARLY INFANTILE, 42A; Epileptic encephalopathy, early infantile, 42. Identifiers: MedGen C4310716, MONDO:0014917, OMIM 617106.

Submission:

Women's Health and Genetics/Laboratory Corporation of America, LabCorp
Classification: Pathogenic for Developmental and epileptic encephalopathy, 42. Last evaluated: 2025-05-05. Review status: criteria provided, single submitter. Criteria: LabCorp Variant Classification Summary - May 2015. Collection method: clinical testing. Allele origin: germline.
Comment: Variant summary: CACNA1A c.6002delG (p.Gly2001AspfsX18) results in a premature termination codon, predicted to cause a truncation of the encoded protein or absence of the protein due to nonsense mediated decay, which are commonly known mechanisms for disease. The frequency data for this variant in gnomAD is considered unreliable, as metrics indicate poor data quality at this position. To our knowledge, no occurrence of c.6002delG in individuals affected with Epileptic Encephalopathy, Early Infantile, 42 and no experimental evidence demonstrating its impact on protein function have been reported. No submitters have cited clinical-significance assessments for this variant to ClinVar. Based on the evidence outlined above, the variant was classified as pathogenic.